The following is an entry in ClinVar:

NM_001003841.3(SLC6A19):c.1144A>C (p.Thr382Pro)

Gene: SLC6A19 (solute carrier family 6 member 19; plus strand). Cytogenetic location: 5p15.33.
Variant type: single nucleotide variant.
Coding change: c.1144A>C on transcript NM_001003841.3 (MANE Select); coding-DNA position 1144, A replaced by C.
Protein change: p.Thr382Pro; replaces threonine 382 with proline.
Molecular consequence: missense variant.
Genome position (GRCh38, 1-based): chr5:1,216,916, A>C. VCF-style: chr5-1216916-A-C. GRCh37 (hg19) VCF-style: chr5-1217031-A-C.
Other names: short protein forms T382P.
Identifiers: ClinVar variation 4761911 (VCV004761911.1).
Genomic context (GRCh38, chr5:1,216,916, plus strand): 5'-GACATGCAGCAGCGGTGCAACGCCTCCGACCCCGCGGCCTACGCGCAGCTGGTGTTCCAG[A>C]CCTGCGACATCAACGCCTTCCTCTCAGAGGTAGGTCCATTCCGGAGCTCGAGGCAGGGAG-3'
Protein context (NP_001003841.1, residues 372-392): PAAYAQLVFQ[Thr382Pro]CDINAFLSEA

ClinVar aggregate classification (germline): Uncertain significance (1 of 4 stars; one submission).

Submission:

Labcorp Genetics (formerly Invitae), Labcorp
Classification: Uncertain significance. Last evaluated: 2025-08-07. Review status: criteria provided, single submitter. Criteria: Invitae Variant Classification Sherloc (09022015). Collection method: clinical testing. Allele origin: germline.
Comment: This sequence change replaces threonine, which is neutral and polar, with proline, which is neutral and non-polar, at codon 382 of the SLC6A19 protein (p.Thr382Pro). This variant is not present in population databases (gnomAD no frequency). This variant has not been reported in the literature in individuals affected with SLC6A19-related conditions. Invitae Evidence Modeling of protein sequence and biophysical properties (such as structural, functional, and spatial information, amino acid conservation, physicochemical variation, residue mobility, and thermodynamic stability) indicates that this missense variant is not expected to disrupt SLC6A19 protein function with a negative predictive value of 80%. In summary, the available evidence is currently insufficient to determine the role of this variant in disease. Therefore, it has been classified as a Variant of Uncertain Significance.